The following is an entry in ClinVar:

NM_000540.3(RYR1):c.584T>C (p.Met195Thr)

Gene: RYR1 (ryanodine receptor 1; plus strand). Cytogenetic location: 19q13.2.
Variant type: single nucleotide variant.
Coding change: c.584T>C on transcript NM_000540.3 (MANE Select); coding-DNA position 584, T replaced by C.
Protein change: p.Met195Thr; replaces methionine 195 with threonine.
Molecular consequence: missense variant.
Genome position (GRCh38, 1-based): chr19:38,444,630, T>C. VCF-style: chr19-38444630-T-C. GRCh37 (hg19) VCF-style: chr19-38935270-T-C.
Other names: c.584T>C, p.Met195Thr (NM_001042723.2); short protein forms M195T.
Identifiers: ClinVar variation 4758116 (VCV004758116.1).

ClinVar aggregate classification (germline): Uncertain significance (1 of 4 stars; one submission).

Conditions:
Malignant hyperthermia, susceptibility to, 1 (MHS1). Also called: RYR1-Related Malignant Hyperthermia Susceptibility; Malignant hyperthermia suceptibility 1; Anesthesia related hyperthermia; Malignant hyperpyrexia; Fulminating hyperpyrexia; Pharmacogenic myopathy. Identifiers: Orphanet 423, MedGen C2930980, MONDO:0007783, OMIM 145600.

Submission:

Color Diagnostics, LLC DBA Color Health
Classification: Uncertain significance for Malignant hyperthermia, susceptibility to, 1. Last evaluated: 2025-09-08. Review status: criteria provided, single submitter. Criteria: ACMG Guidelines, 2015. Collection method: clinical testing. Allele origin: germline.
Comment: This missense variant replaces methionine with threonine at codon 195 of the RYR1 protein. Computational prediction suggests that this variant may have deleterious impact on protein structure and function. To our knowledge, functional studies have not been reported for this variant. This variant has not been reported in individuals affected with RYR1-related disorders in the literature. This variant has not been identified in the general population by the Genome Aggregation Database (gnomAD). The available evidence is insufficient to determine the role of this variant in disease conclusively. Therefore, this variant is classified as a Variant of Uncertain Significance.